The following is an entry in ClinVar:

ClinVar aggregate classification (germline): Likely benign (1 of 4 stars; one submission).

Conditions:
LOXHD1-related disorder. Also called: LOXHD1-related condition.

gnomAD v4.1: 203 of 1,551,630 alleles (0.013%); highest among the groups gnomAD compares: Non-Finnish European, 0.017%; no homozygotes.

Submission:

PreventionGenetics, part of Exact Sciences
Classification: Likely benign for LOXHD1-related condition. Last evaluated: 2026-09-11. Review status: criteria provided, single submitter. Criteria: ACMG Guidelines, 2015. Collection method: clinical testing. Allele origin: germline.
Comment: This variant is classified as likely benign based on ACMG/AMP sequence variant interpretation guidelines (Richards et al. 2015 PMID: 25741868, with internal and published modifications).

NM_001384474.1(LOXHD1):c.825G>A (p.Leu275=)

Gene: LOXHD1 (lipoxygenase homology PLAT domains 1; minus strand). Cytogenetic location: 18q21.1.
Variant type: single nucleotide variant.
Coding change: c.825G>A on transcript NM_001384474.1 (MANE Select); coding-DNA position 825, G replaced by A.
Protein change: p.Leu275=; no amino-acid change (leucine 275 retained).
Molecular consequence: synonymous variant.
Genome position (GRCh38, 1-based): chr18:46,604,164, C>T on the plus strand (G>A on the coding strand, the complement: LOXHD1 is on the minus strand). VCF-style: chr18-46604164-C-T. GRCh37 (hg19) VCF-style: chr18-44184127-C-T.
Other names: c.825G>A, p.Leu275= (NM_144612.7).
Identifiers: ClinVar variation 4989369 (VCV004989369.1).